The following is an entry in ClinVar:

NM_000088.4(COL1A1):c.3047G>A (p.Gly1016Glu)

Gene: COL1A1 (collagen type I alpha 1 chain; minus strand). Cytogenetic location: 17q21.33.
Variant type: single nucleotide variant.
Coding change: c.3047G>A on transcript NM_000088.4 (MANE Select); coding-DNA position 3047, G replaced by A.
Protein change: p.Gly1016Glu; replaces glycine 1016 with glutamic acid.
Molecular consequence: missense variant.
Genome position (GRCh38, 1-based): chr17:50,188,794, C>T on the plus strand (G>A on the coding strand, the complement: COL1A1 is on the minus strand). VCF-style: chr17-50188794-C-T. GRCh37 (hg19) VCF-style: chr17-48266155-C-T.
Other names: short protein forms G1016E.
Identifiers: ClinVar variation 1708454 (VCV001708454.3), dbSNP rs2509178952, ClinGen allele CA400203404.

ClinVar aggregate classification (germline): Likely pathogenic. Review status: criteria provided, multiple submitters, no conflicts (2 of 4 stars). 2 submissions from 2 submitters: Likely pathogenic (2). Last evaluated 2024-05-03.

Conditions:
COL1A1-related disorder. Also called: COL1A1-related condition; COL1A1- related disease.

Submissions (2):

Blueprint Genetics
Classification: Likely pathogenic for COL1A1-related disorders. Last evaluated: 2024-05-03. Review status: criteria provided, single submitter. Criteria: ACMG Guidelines, 2015. Collection method: clinical testing. Allele origin: germline. Affected: yes. Observed: 1 variant allele.

Centre of Medical Genetics, University Hospital Muenster
Classification: Likely pathogenic. Last evaluated: 2021-12-08. Review status: criteria provided, single submitter. Criteria: ACMG Guidelines, 2015. Collection method: clinical testing. Allele origin: de novo. Affected: yes. Observed: 1 variant allele, 1 heterozygote.
Comment: ACMG categories: PS2,PM2,PP3